The following is an entry in ClinVar:

ClinVar aggregate classification (germline): Uncertain significance (1 of 4 stars; one submission).

Submission:

GeneDx
Classification: Uncertain significance. Last evaluated: 2024-08-05. Review status: criteria provided, single submitter. Criteria: GeneDx Variant Classification Process June 2021. Collection method: clinical testing. Allele origin: germline. Affected: yes.
Comment: Not observed at significant frequency in large population cohorts (gnomAD); Has not been previously published as pathogenic or benign to our knowledge; Frameshift variant predicted to result in protein truncation or nonsense mediated decay in a gene for which loss-of-function is not a known mechanism of disease

NM_004958.4(MTOR):c.1047del (p.Ser350fs)

Gene: MTOR (mechanistic target of rapamycin kinase; minus strand). Cytogenetic location: 1p36.22.
Variant type: Deletion.
Coding change: c.1047del on transcript NM_004958.4 (MANE Select); coding-DNA position 1047, one base deleted (C; older notation c.1047delC).
Protein change: p.Ser350fs; shifts the reading frame from serine 350.
Molecular consequence: frameshift variant. On other transcripts: 5 prime UTR variant (1).
Genome position (GRCh38, 1-based): chr1:11,247,888, G deleted on the plus strand (C on the coding strand, the reverse complement: MTOR is on the minus strand); the first of 5 consecutive G bases (chr1:11,247,888-11,247,892); deleting any one gives the same sequence. VCF-style (leftmost placement, unchanged base first): chr1-11247887-TG-T. GRCh37 (hg19) VCF-style: chr1-11307944-TG-T.
Other names: c.1047del, p.Ser350fs (NM_001386500.1); c.-93del (NM_001386501.1); c.1043delC, p.Ser350Valfs (NM_004958.3); short protein forms S350fs.
Identifiers: ClinVar variation 3603025 (VCV003603025.1).